The following is an entry in ClinVar:

NM_014297.5(ETHE1):c.197A>G (p.Lys66Arg)

Gene: ETHE1 (ETHE1 persulfide dioxygenase; minus strand). Cytogenetic location: 19q13.31.
Variant type: single nucleotide variant.
Coding change: c.197A>G on transcript NM_014297.5 (MANE Select); coding-DNA position 197, A replaced by G.
Protein change: p.Lys66Arg; replaces lysine 66 with arginine.
Molecular consequence: missense variant. On other transcripts: 5 prime UTR variant (1), intron variant (1).
Genome position (GRCh38, 1-based): chr19:43,526,544, T>C on the plus strand (A>G on the coding strand, the complement: ETHE1 is on the minus strand). VCF-style: chr19-43526544-T-C. GRCh37 (hg19) VCF-style: chr19-44030696-T-C.
Other names: NM_014297.5(ETHE1):c.197A>G; p.Lys66Arg; c.197A>G, p.Lys66Arg (NM_001320867.2); c.-24A>G (NM_001320868.2); c.81+553A>G (NM_001320869.2); short protein forms K66R.
Identifiers: ClinVar variation 329444 (VCV000329444.9), dbSNP rs777252863, ClinGen allele CA9487931.

ClinVar aggregate classification (germline): Uncertain significance. Review status: reviewed by expert panel (3 of 4 stars). 5 submissions from 5 submitters: Uncertain significance (1). 4 of the submissions do not count toward it. Last evaluated 2020-08-18.

Conditions:
Inborn genetic diseases. Identifiers: MedGen C0950123, MeSH D030342.
Ethylmalonic encephalopathy (EE). Also called: EPEMA syndrome; Encephalopathy, petechiae, and ethylmalonic aciduria; Syndrome of encephalopathy, petechiae, and ethylmalonic aciduria. Identifiers: Orphanet 51188, MedGen C1865349, MONDO:0011229, OMIM 602473. Disease mechanism: loss of function.

Allele frequency attached by ClinVar (database versions not stated): ExAC 0.00007; gnomAD 0.00001 and 0.00003; gnomAD exomes 0.00003 and 0.00006; TOPMed 0.00003.
gnomAD v4.1: 52 of 1,613,688 alleles (0.0032%); highest among the groups gnomAD compares: Middle Eastern, 0.099%; no homozygotes.

Submissions (5):

ClinGen Mitochondrial Disease Nuclear and Mitochondrial  Variant Curation Expert Panel, ClinGen
Classification: Uncertain significance for Ethylmalonic encephalopathy. Last evaluated: 2020-08-18. Review status: reviewed by expert panel. Criteria: clingen mito disease acmg specifications v1-1. Collection method: curation. Allele origin: germline. Inheritance: Autosomal recessive inheritance.
Comment: This variant was classified as a variant of uncertain significance as there has not been sufficient evidence to support either a benign or a pathogenic classification. Specifically, this variant has not been reported in the literature in affected or unaffected patients, has no published functional data. This variant is present in population databases with an allele frequency of 0.02%, which is higher allele frequency expected for a pathogenic variant in ETHE1 (BS1). However, not enough criteria were met to support a pathogenic or benign classification.

Ambry Genetics
Classification: Uncertain significance for Inborn genetic diseases. Last evaluated: 2024-07-12. Review status: criteria provided, single submitter. Criteria: Ambry Variant Classification Scheme 2023. Collection method: clinical testing. Allele origin: germline. Not counted in ClinVar's aggregate classification.

Blueprint Genetics
Classification: Uncertain significance. Last evaluated: 2023-12-22. Review status: criteria provided, single submitter. Criteria: ACMG Guidelines, 2015. Collection method: clinical testing. Allele origin: germline. Not counted in ClinVar's aggregate classification.

Labcorp Genetics (formerly Invitae), Labcorp
Classification: Uncertain significance for Ethylmalonic encephalopathy. Last evaluated: 2022-09-27. Review status: criteria provided, single submitter. Criteria: Invitae Variant Classification Sherloc (09022015). Collection method: clinical testing. Allele origin: germline. Not counted in ClinVar's aggregate classification.
Comment: This sequence change replaces lysine, which is basic and polar, with arginine, which is basic and polar, at codon 66 of the ETHE1 protein (p.Lys66Arg). This variant is present in population databases (rs777252863, gnomAD 0.02%). This variant has not been reported in the literature in individuals affected with ETHE1-related conditions. ClinVar contains an entry for this variant (Variation ID: 329444). Advanced modeling of protein sequence and biophysical properties (such as structural, functional, and spatial information, amino acid conservation, physicochemical variation, residue mobility, and thermodynamic stability) performed at Invitae indicates that this missense variant is not expected to disrupt ETHE1 protein function. In summary, the available evidence is currently insufficient to determine the role of this variant in disease. Therefore, it has been classified as a Variant of Uncertain Significance.

Illumina Laboratory Services, Illumina
Classification: Uncertain significance for Ethylmalonic encephalopathy. Last evaluated: 2018-01-13. Review status: criteria provided, single submitter. Criteria: ICSL Variant Classification Criteria 13 December 2019. Collection method: clinical testing. Allele origin: germline. Not counted in ClinVar's aggregate classification.